The following is an entry in ClinVar:

ClinVar aggregate classification (germline): Uncertain significance (1 of 4 stars; one submission).

gnomAD v4.1: 2 of 1,482,494 alleles (0.00013%); highest among the groups gnomAD compares: Non-Finnish European, 0.000089%; no homozygotes.

Submission:

CeGaT Center for Human Genetics Tuebingen
Classification: Uncertain significance. Last evaluated: 2026-06-01. Review status: criteria provided, single submitter. Criteria: CeGaT Center For Human Genetics Tuebingen Variant Classification Criteria Version 2. Collection method: clinical testing. Allele origin: germline. Affected: yes. Observed: 1 variant allele.
Comment: MIB1: PM2, BP4

NM_020774.4(MIB1):c.-4C>T

Genes: MIB1 (MIB E3 ubiquitin protein ligase 1; plus strand), LOC130062254 (ATAC-STARR-seq lymphoblastoid silent region 9344; plus strand). Cytogenetic location: 18q11.2.
Variant type: single nucleotide variant.
Coding change: c.-4C>T on transcript NM_020774.4 (MANE Select); 4 bases upstream of the start codon, C replaced by T.
Molecular consequence: 5 prime UTR variant.
Genome position (GRCh38, 1-based): chr18:21,741,580, C>T. VCF-style: chr18-21741580-C-T. GRCh37 (hg19) VCF-style: chr18-19321541-C-T.
Identifiers: ClinVar variation 4875041 (VCV004875041.2).